The following is an entry in ClinVar:

NM_013266.4(CTNNA3):c.793C>T (p.Pro265Ser)

Gene: CTNNA3 (catenin alpha 3; minus strand). Cytogenetic location: 10q21.3.
Variant type: single nucleotide variant.
Coding change: c.793C>T on transcript NM_013266.4 (MANE Select); coding-DNA position 793, C replaced by T.
Protein change: p.Pro265Ser; replaces proline 265 with serine.
Molecular consequence: missense variant.
Genome position (GRCh38, 1-based): chr10:67,219,657, G>A on the plus strand (C>T on the coding strand, the complement: CTNNA3 is on the minus strand). VCF-style: chr10-67219657-G-A. GRCh37 (hg19) VCF-style: chr10-68979415-G-A.
Other names: c.793C>T, p.Pro265Ser (NM_001127384.3); c.829C>T, p.Pro277Ser (NM_001291133.2); short protein forms P277S, P265S.
Identifiers: ClinVar variation 3713093 (VCV003713093.2).

ClinVar aggregate classification (germline): Uncertain significance (1 of 4 stars; one submission).

Conditions:
Arrhythmogenic right ventricular dysplasia 13. Also called: Arrhythmogenic right ventricular dysplasia, familial, 13; ARRHYTHMOGENIC RIGHT VENTRICULAR CARDIOMYOPATHY 13. Identifiers: MedGen C3810138, MONDO:0000908, OMIM 615616.

Submission:

Labcorp Genetics (formerly Invitae), Labcorp
Classification: Uncertain significance for Arrhythmogenic right ventricular dysplasia 13. Last evaluated: 2024-12-12. Review status: criteria provided, single submitter. Criteria: Invitae Variant Classification Sherloc (09022015). Collection method: clinical testing. Allele origin: germline.
Comment: This sequence change replaces proline, which is neutral and non-polar, with serine, which is neutral and polar, at codon 265 of the CTNNA3 protein (p.Pro265Ser). This variant is present in population databases (rs776573248, gnomAD 0.0009%). This variant has not been reported in the literature in individuals affected with CTNNA3-related conditions. Invitae Evidence Modeling of protein sequence and biophysical properties (such as structural, functional, and spatial information, amino acid conservation, physicochemical variation, residue mobility, and thermodynamic stability) indicates that this missense variant is not expected to disrupt CTNNA3 protein function with a negative predictive value of 80%. In summary, the available evidence is currently insufficient to determine the role of this variant in disease. Therefore, it has been classified as a Variant of Uncertain Significance.